The following is an entry in ClinVar:

ClinVar aggregate classification (germline): Uncertain significance. Review status: criteria provided, multiple submitters, no conflicts (2 of 4 stars). 2 submissions from 2 submitters: Uncertain significance (2). Last evaluated 2024-07-10.

Conditions:
Neurodevelopmental disorder with regression, abnormal movements, loss of speech, and seizures. Identifiers: Orphanet 597623, MedGen C4748127, MONDO:0060759, OMIM 618088.

Submissions (2):

Blueprint Genetics
Classification: Uncertain significance. Last evaluated: 2024-07-10. Review status: criteria provided, single submitter. Criteria: ACMG Guidelines, 2015. Collection method: clinical testing. Allele origin: germline.

New York Genome Center
Classification: Uncertain significance for Neurodevelopmental disorder with regression, abnormal movements, loss of speech, and seizures. Last evaluated: 2020-09-23. Review status: criteria provided, single submitter. Criteria: NYGC Assertion Criteria 2020. Collection method: clinical testing. Allele origin: germline. Observed: 1 heterozygote. Study: CSER-NYCKidSeq.
Comment: The heterozygous p.Arg228Leu variant identified in IRF2BPL has not been reported in affected individuals in the available literature. The variant is absent from the gnomAD(v3) database indicating it is an extremely rare allele in the populations represented in this database. The affected Arg228 residue is moderately conserved and in silico prediction tools provide conflicting interpretations about the potential pathogenicity of this variant. Based on available evidence,the p.Arg228Leu variant in the IRF2BPL gene is assessed as a variant of uncertain significance.

NM_024496.4(IRF2BPL):c.683G>T (p.Arg228Leu)

Gene: IRF2BPL (interferon regulatory factor 2 binding protein like; minus strand). Cytogenetic location: 14q24.3.
Variant type: single nucleotide variant.
Coding change: c.683G>T on transcript NM_024496.4 (MANE Select); coding-DNA position 683, G replaced by T.
Protein change: p.Arg228Leu; replaces arginine 228 with leucine.
Molecular consequence: missense variant.
Genome position (GRCh38, 1-based): chr14:77,027,110, C>A on the plus strand (G>T on the coding strand, the complement: IRF2BPL is on the minus strand). VCF-style: chr14-77027110-C-A. GRCh37 (hg19) VCF-style: chr14-77493453-C-A.
Other names: short protein forms R228L.
Identifiers: ClinVar variation 1213704 (VCV001213704.2), dbSNP rs1398386187, ClinGen allele CA390498850.